The following is an entry in ClinVar:

ClinVar aggregate classification (germline): Conflicting classifications of pathogenicity. Review status: criteria provided, conflicting classifications (1 of 4 stars). 2 submissions from 2 submitters: Uncertain significance (1); Likely benign (1). Last evaluated 2023-03-23.

Conditions:
Hereditary cancer-predisposing syndrome. Also called: Neoplastic Syndromes, Hereditary; Hereditary Cancer Syndrome; Tumor predisposition; Hereditary neoplastic syndrome. Identifiers: Orphanet 140162, MedGen C0027672, MeSH D009386, MONDO:0015356.
Hereditary breast ovarian cancer syndrome. Also called: BRCA1- and BRCA2-Associated Hereditary Breast and Ovarian Cancer; Hereditary breast and ovarian cancer; Hereditary breast and ovarian cancer syndrome; Hereditary breast and/or ovarian cancer syndrome; Hereditary breast and ovarian cancer syndrome (HBOC); Breast and ovarian cancer. Identifiers: Orphanet 145, MedGen C0677776, MeSH D061325, MONDO:0003582. Disease mechanism: loss of function.

Submissions (2):

University of Washington Department of Laboratory Medicine, University of Washington
Classification: Likely benign for Hereditary cancer-predisposing syndrome. Last evaluated: 2023-03-23. Review status: criteria provided, single submitter. Criteria: Dines et al. (Genet Med. 2020). Collection method: curation. Allele origin: germline.
Comment: Missense variant in a coldspot region where missense variants are very unlikely to be pathogenic (PMID:31911673).

BRCA2 exon 11 coldspot. Reclassification based on statistical prior probability.

Labcorp Genetics (formerly Invitae), Labcorp
Classification: Uncertain significance for Hereditary breast ovarian cancer syndrome. Last evaluated: 2022-11-29. Review status: criteria provided, single submitter. Criteria: Invitae Variant Classification Sherloc (09022015). Collection method: clinical testing. Allele origin: germline.
Comment: This variant is not present in population databases (gnomAD no frequency). This sequence change replaces lysine, which is basic and polar, with glutamine, which is neutral and polar, at codon 1236 of the BRCA2 protein (p.Lys1236Gln). In summary, the available evidence is currently insufficient to determine the role of this variant in disease. Therefore, it has been classified as a Variant of Uncertain Significance. Advanced modeling of protein sequence and biophysical properties (such as structural, functional, and spatial information, amino acid conservation, physicochemical variation, residue mobility, and thermodynamic stability) performed at Invitae indicates that this missense variant is not expected to disrupt BRCA2 protein function. ClinVar contains an entry for this variant (Variation ID: 969185). This variant has not been reported in the literature in individuals affected with BRCA2-related conditions.

NM_000059.4(BRCA2):c.3706A>C (p.Lys1236Gln)

Gene: BRCA2 (BRCA2 DNA repair associated; plus strand). Cytogenetic location: 13q13.1.
Variant type: single nucleotide variant.
Coding change: c.3706A>C on transcript NM_000059.4 (MANE Select); coding-DNA position 3706, A replaced by C.
Protein change: p.Lys1236Gln; replaces lysine 1236 with glutamine.
Molecular consequence: missense variant.
Genome position (GRCh38, 1-based): chr13:32,338,061, A>C. VCF-style: chr13-32338061-A-C. GRCh37 (hg19) VCF-style: chr13-32912198-A-C.
Other names: short protein forms K1236Q.
Identifiers: ClinVar variation 969185 (VCV000969185.11), dbSNP rs1555283367, ClinGen allele CA387778056.